The following is an entry in ClinVar:

NM_020408.6(LYRM4):c.40C>T (p.Arg14Trp)

Genes: FARS2 (phenylalanyl-tRNA synthetase 2, mitochondrial; plus strand), LYRM4 (LYR motif containing 4; minus strand), LOC129995672 (ATAC-STARR-seq lymphoblastoid silent region 16873; plus strand). Cytogenetic location: 6p25.1.
Variant type: single nucleotide variant.
Coding change: c.40C>T on transcript NM_020408.6 (MANE Select); coding-DNA position 40, C replaced by T.
Protein change: p.Arg14Trp; replaces arginine 14 with tryptophan.
Molecular consequence: missense variant. On other transcripts: non-coding transcript variant (3).
Genome position (GRCh38, 1-based): chr6:5,260,694, G>A on the plus strand (C>T on the coding strand, the complement: LYRM4 is on the minus strand). VCF-style: chr6-5260694-G-A. GRCh37 (hg19) VCF-style: chr6-5260927-G-A.
Other names: c.40C>T, p.Arg14Trp (NM_001164840.3, NM_001164841.3, NM_001318782.1 and 1 more transcripts); short protein forms R14W.
Identifiers: ClinVar variation 2402657 (VCV002402657.4), dbSNP rs547137067, ClinGen allele CA3623549.
Genomic context (GRCh38, chr6:5,260,694, plus strand): 5'-GCCCGCTGGGTCACCTGTAATTGTAGGCGCTGAAACGCTTGCTCTCTCTCAGCATCGCCC[G>A]GTACAGAGATAACACTTGTGCGCGACTGGAGGCTGCCATTTTGGAAAGAAAAAAAAATAA-3'
Protein context (NP_065141.3, residues 4-24): SSRAQVLSLY[Arg14Trp]AMLRESKRFS

ClinVar aggregate classification (germline): Uncertain significance. Review status: criteria provided, multiple submitters, no conflicts (2 of 4 stars). 2 submissions from 2 submitters: Uncertain significance (2). Last evaluated 2025-07-06.

Allele frequency attached by ClinVar (database versions not stated): gnomAD 0.00003; ExAC 0.00010; TOPMed 0.00011; 1000 Genomes Project 30x 0.00016; 1000 Genomes Project 0.00020.
gnomAD v4.1: 21 of 1,533,794 alleles (0.0014%); highest among the groups gnomAD compares: East Asian, 0.035%; no homozygotes.

Submissions (2):

Labcorp Genetics (formerly Invitae), Labcorp
Classification: Uncertain significance. Last evaluated: 2025-07-06. Review status: criteria provided, single submitter. Criteria: Invitae Variant Classification Sherloc (09022015). Collection method: clinical testing. Allele origin: germline.
Comment: This sequence change replaces arginine, which is basic and polar, with tryptophan, which is neutral and slightly polar, at codon 14 of the LYRM4 protein (p.Arg14Trp). The frequency data for this variant in the population databases is considered unreliable, as metrics indicate poor data quality at this position in the gnomAD database. This variant has not been reported in the literature in individuals affected with LYRM4-related conditions. ClinVar contains an entry for this variant (Variation ID: 2402657). An algorithm developed to predict the effect of missense changes on protein structure and function (PolyPhen-2) suggests that this variant is likely to be disruptive. In summary, the available evidence is currently insufficient to determine the role of this variant in disease. Therefore, it has been classified as a Variant of Uncertain Significance.

Ambry Genetics
Classification: Uncertain significance. Last evaluated: 2024-08-27. Review status: criteria provided, single submitter. Criteria: Ambry Variant Classification Scheme 2023. Collection method: clinical testing. Allele origin: germline.